The following is an entry in ClinVar:

ClinVar aggregate classification (germline): Uncertain significance (1 of 4 stars; one submission).

Conditions:
SCLT1-related disorder. Also called: SCLT1-related condition.

Submission:

PreventionGenetics, part of Exact Sciences
Classification: Uncertain significance for SCLT1-related condition. Last evaluated: 2025-12-15. Review status: criteria provided, single submitter. Criteria: ACMG Guidelines, 2015. Collection method: clinical testing. Allele origin: germline.
Comment: The SCLT1 c.2047A>C variant is predicted to result in the amino acid substitution p.Met683Leu. To our knowledge, this variant has not been reported in the literature or in a large population database (gnomAD), indicating this variant is rare. At this time, the clinical significance of this variant is uncertain due to the absence of conclusive functional and genetic evidence.

NM_144643.4(SCLT1):c.2047A>C (p.Met683Leu)

Gene: SCLT1 (sodium channel and clathrin linker 1; minus strand). Cytogenetic location: 4q28.2.
Variant type: single nucleotide variant.
Coding change: c.2047A>C on transcript NM_144643.4 (MANE Select); coding-DNA position 2047, A replaced by C.
Protein change: p.Met683Leu; replaces methionine 683 with leucine.
Molecular consequence: missense variant.
Genome position (GRCh38, 1-based): chr4:128,884,497, T>G on the plus strand (A>C on the coding strand, the complement: SCLT1 is on the minus strand). VCF-style: chr4-128884497-T-G. GRCh37 (hg19) VCF-style: chr4-129805652-T-G.
Other names: short protein forms M683L.
Identifiers: ClinVar variation 4992254 (VCV004992254.1).
Genomic context (GRCh38, chr4:128,884,497, plus strand): 5'-TTCCCAACTCTAAAGTTCTGTGAGTGAACTATGAATATTTTTAAATATTTTCCAGATTCA[T>G]CAGGGAGGCTGCTTTTCTTCTCTGCACTGTAATCACACTGAGCTGCAATTAAAATAAACA-3'
Protein context (NP_653244.2, residues 673-688): TVQRRKAASL[Met683Leu]NLENI